The following is an entry in ClinVar:

NM_006206.6(PDGFRA):c.56G>A (p.Ser19Asn)

Gene: PDGFRA (platelet derived growth factor receptor alpha; plus strand). Cytogenetic location: 4q12.
Variant type: single nucleotide variant.
Coding change: c.56G>A on transcript NM_006206.6 (MANE Select); coding-DNA position 56, G replaced by A.
Protein change: p.Ser19Asn; replaces serine 19 with asparagine.
Molecular consequence: missense variant.
Genome position (GRCh38, 1-based): chr4:54,261,101, G>A. VCF-style: chr4-54261101-G-A. GRCh37 (hg19) VCF-style: chr4-55127268-G-A.
Other names: c.131G>A, p.Ser44Asn (NM_001347828.2); c.56G>A, p.Ser19Asn (NM_001347829.2, NM_001347827.2); c.95G>A, p.Ser32Asn (NM_001347830.2); short protein forms S44N, S19N, S32N.
Identifiers: ClinVar variation 3728838 (VCV003728838.3).

ClinVar aggregate classification (germline): Uncertain significance. Review status: criteria provided, multiple submitters, no conflicts (2 of 4 stars). 2 submissions from 2 submitters: Uncertain significance (2). Last evaluated 2026-08-02.

Conditions:
Gastrointestinal stromal tumor. Also called: Gastrointestinal stromal tumor, somatic; Gastrointestinal stroma tumor. Identifiers: Orphanet 44890, MedGen C0238198, MeSH D046152, MONDO:0011719, OMIM 606764, HP:0100723.
Hereditary cancer-predisposing syndrome. Also called: Tumor predisposition; Hereditary neoplastic syndrome; Hereditary Cancer Syndrome; Neoplastic Syndromes, Hereditary. Identifiers: Orphanet 140162, MedGen C0027672, MeSH D009386, MONDO:0015356.

Submissions (2):

Ambry Genetics
Classification: Uncertain significance for Hereditary cancer-predisposing syndrome. Last evaluated: 2026-08-02. Review status: criteria provided, single submitter. Criteria: Ambry Variant Classification Scheme 2023. Collection method: clinical testing. Allele origin: germline.
Comment: The p.S19N variant (also known as c.56G>A), located in coding exon 2 of the PDGFRA gene, results from a G to A substitution at nucleotide position 56. The serine at codon 19 is replaced by asparagine, an amino acid with highly similar properties. This amino acid position is conserved. In addition, this alteration is predicted to be tolerated by in silico analysis. Based on the available evidence, the clinical significance of this variant remains unclear.

Labcorp Genetics (formerly Invitae), Labcorp
Classification: Uncertain significance for Gastrointestinal stromal tumor. Last evaluated: 2025-01-12. Review status: criteria provided, single submitter. Criteria: Invitae Variant Classification Sherloc (09022015). Collection method: clinical testing. Allele origin: germline.
Comment: This sequence change replaces serine, which is neutral and polar, with asparagine, which is neutral and polar, at codon 19 of the PDGFRA protein (p.Ser19Asn). This variant is not present in population databases (gnomAD no frequency). This variant has not been reported in the literature in individuals affected with PDGFRA-related conditions. An algorithm developed to predict the effect of missense changes on protein structure and function (PolyPhen-2) suggests that this variant is likely to be tolerated. In summary, the available evidence is currently insufficient to determine the role of this variant in disease. Therefore, it has been classified as a Variant of Uncertain Significance.